The following is an entry in ClinVar:

NM_003560.4(PLA2G6):c.2327_2328del (p.Thr776fs)

Gene: PLA2G6 (phospholipase A2 group VI; minus strand). Cytogenetic location: 22q13.1.
Variant type: Microsatellite.
Coding change: c.2327_2328del on transcript NM_003560.4 (MANE Select); coding-DNA positions 2327 to 2328, 2 bases deleted (CA; older notation c.2327_2328delCA).
Protein change: p.Thr776fs; shifts the reading frame from threonine 776.
Molecular consequence: frameshift variant.
Genome position (GRCh38, 1-based): chr22:38,112,254-38,112,255, TG deleted on the plus strand (CA on the coding strand, the reverse complement: PLA2G6 is on the minus strand); deleting any 2 consecutive bases within chr22:38,112,254-38,112,258 gives the same sequence; the c. name uses the placement nearest the transcript's 3' end. VCF-style (leftmost placement, unchanged base first): chr22-38112253-CTG-C. GRCh37 (hg19) VCF-style: chr22-38508260-CTG-C.
Other names: c.2165_2166del, p.Thr722fs (NM_001004426.3, NM_001199562.3, NM_001349865.2 and 1 more transcripts); c.2327_2328del, p.Thr776fs (NM_001349864.2); c.1793_1794del, p.Thr598fs (NM_001349867.2); c.1649_1650del, p.Thr550fs (NM_001349868.2); c.1631_1632del, p.Thr544fs (NM_001349869.2); short protein forms T544fs, T722fs, T550fs, T598fs, T776fs.
Identifiers: ClinVar variation 159764 (VCV000159764.9), dbSNP rs587784352, ClinGen allele CA173262.

ClinVar aggregate classification (germline): Pathogenic. Review status: criteria provided, multiple submitters, no conflicts (2 of 4 stars). 2 submissions from 2 submitters: Pathogenic (2). Last evaluated 2023-09-06.

Conditions:
Infantile neuroaxonal dystrophy (NBIA2A). Also called: Infantile neuroaxonal dystrophy 1; SEITELBERGER DISEASE; NEURODEGENERATION WITH BRAIN IRON ACCUMULATION 2A. Identifiers: Orphanet 35069, MedGen C0270724, MONDO:0024457, OMIM 256600.
Iron accumulation in brain. Identifiers: MedGen C4021076, HP:0012675.

Submissions (2):

Labcorp Genetics (formerly Invitae), Labcorp
Classification: Pathogenic for Infantile neuroaxonal dystrophy. Last evaluated: 2023-09-06. Review status: criteria provided, single submitter. Criteria: Invitae Variant Classification Sherloc (09022015). Collection method: clinical testing. Allele origin: germline.
Comment: This variant has not been reported in the literature in individuals affected with PLA2G6-related conditions. For these reasons, this variant has been classified as Pathogenic. This variant disrupts a region of the PLA2G6 protein in which other variant(s) (p.Gln797*) have been determined to be pathogenic (PMID: 22934738, 27516098; Invitae). This suggests that this is a clinically significant region of the protein, and that variants that disrupt it are likely to be disease-causing. This variant is not present in population databases (gnomAD no frequency). This sequence change creates a premature translational stop signal (p.Thr776Serfs*15) in the PLA2G6 gene. While this is not anticipated to result in nonsense mediated decay, it is expected to disrupt the last 31 amino acid(s) of the PLA2G6 protein.

Genetic Services Laboratory, University of Chicago
Classification: Pathogenic for iron accumulation in brain. Last evaluated: 2013-02-08. Review status: criteria provided, single submitter. Criteria: ACMG Guidelines, 2007. Collection method: clinical testing. Allele origin: germline. Inheritance: Autosomal recessive inheritance. Affected: yes.

Literature cited by the submitters: PubMed 22934738 (cited by Labcorp Genetics (formerly Invitae), Labcorp); PubMed 27516098 (cited by Labcorp Genetics (formerly Invitae), Labcorp).